The following is an entry in ClinVar:

NM_024675.4(PALB2):c.2705A>T (p.Asp902Val)

Gene: PALB2 (partner and localizer of BRCA2; minus strand). Cytogenetic location: 16p12.2.
Variant type: single nucleotide variant.
Coding change: c.2705A>T on transcript NM_024675.4 (MANE Select); coding-DNA position 2705, A replaced by T.
Protein change: p.Asp902Val; replaces aspartic acid 902 with valine.
Molecular consequence: missense variant.
Genome position (GRCh38, 1-based): chr16:23,626,279, T>A on the plus strand (A>T on the coding strand, the complement: PALB2 is on the minus strand). VCF-style: chr16-23626279-T-A. GRCh37 (hg19) VCF-style: chr16-23637600-T-A.
Other names: short protein forms D902V.
Identifiers: ClinVar variation 140983 (VCV000140983.3), dbSNP rs587781415, ClinGen allele CA164115.

ClinVar aggregate classification (germline): Uncertain significance (1 of 4 stars; one submission).

Conditions:
Hereditary cancer-predisposing syndrome. Also called: Neoplastic Syndromes, Hereditary; Tumor predisposition; Hereditary Cancer Syndrome; Hereditary neoplastic syndrome. Identifiers: Orphanet 140162, MedGen C0027672, MeSH D009386, MONDO:0015356.

Submission:

Ambry Genetics
Classification: Uncertain significance for Hereditary cancer-predisposing syndrome. Last evaluated: 2014-01-02. Review status: criteria provided, single submitter. Criteria: Ambry Autosomal Dominant and X-Linked criteria (10/2015). Collection method: clinical testing. Allele origin: germline. Observed: 1 variant allele.
Comment: The p.D902V variant (also known as c.2705A>T), located in coding exon 7 of the PALB2 gene, results from an A to T substitution at nucleotide position 2705. The aspartic acid at codon 902 is replaced by valine, an amino acid with highly dissimilar properties. This variant was not reported in population based cohorts in the following databases: Database of Single Nucleotide Polymorphisms (dbSNP), NHLBI Exome Sequencing Project (ESP), and 1000 Genomes Project. To date, this alteration has been detected with an allele frequency of approximately 0.01% (greater than 10,000 alleles tested) in our clinical cohort (includes this individual). Based on protein sequence alignment, this amino acid position is moderately well conserved in available vertebrate species. In addition, this alteration is predicted to be possibly damaging and deleterious by PolyPhen and SIFT in silico analyses, respectively. Since supporting evidence is limited at this time, the clinical significance of p.D902V remains unclear.